The following is an entry in ClinVar:

ClinVar aggregate classification (germline): Uncertain significance. Review status: criteria provided, multiple submitters, no conflicts (2 of 4 stars). 2 submissions from 2 submitters: Uncertain significance (2). Last evaluated 2025-12-10.

Conditions:
Inborn genetic diseases. Identifiers: MedGen C0950123, MeSH D030342.

Allele frequency attached by ClinVar (database versions not stated): gnomAD exomes below 0.00001; gnomAD 0.00001; TOPMed 0.00001; ExAC 0.00002.
gnomAD v4.1: 8 of 1,613,192 alleles (0.0005%); highest among the groups gnomAD compares: Non-Finnish European, 0.00059%; no homozygotes.

Submissions (2):

Labcorp Genetics (formerly Invitae), Labcorp
Classification: Uncertain significance. Last evaluated: 2025-12-10. Review status: criteria provided, single submitter. Criteria: Invitae Variant Classification Sherloc (09022015). Collection method: clinical testing. Allele origin: germline.
Comment: This sequence change replaces aspartic acid, which is acidic and polar, with asparagine, which is neutral and polar, at codon 1560 of the ATR protein (p.Asp1560Asn). This variant is present in population databases (rs756354361, gnomAD 0.002%). This variant has not been reported in the literature in individuals affected with ATR-related conditions. ClinVar contains an entry for this variant (Variation ID: 2158156). An algorithm developed to predict the effect of missense changes on protein structure and function (PolyPhen-2) suggests that this variant is likely to be disruptive. In summary, the available evidence is currently insufficient to determine the role of this variant in disease. Therefore, it has been classified as a Variant of Uncertain Significance.

Ambry Genetics
Classification: Uncertain significance for Inborn genetic diseases. Last evaluated: 2025-06-11. Review status: criteria provided, single submitter. Criteria: Ambry Variant Classification Scheme 2023. Collection method: clinical testing. Allele origin: germline.

NM_001184.4(ATR):c.4678G>A (p.Asp1560Asn)

Gene: ATR (ATR checkpoint kinase; minus strand). Cytogenetic location: 3q23.
Variant type: single nucleotide variant.
Coding change: c.4678G>A on transcript NM_001184.4 (MANE Select); coding-DNA position 4678, G replaced by A.
Protein change: p.Asp1560Asn; replaces aspartic acid 1560 with asparagine.
Molecular consequence: missense variant.
Genome position (GRCh38, 1-based): chr3:142,512,434, C>T on the plus strand (G>A on the coding strand, the complement: ATR is on the minus strand). VCF-style: chr3-142512434-C-T. GRCh37 (hg19) VCF-style: chr3-142231276-C-T.
Other names: c.4678G>A (NM_001184.3); c.4486G>A, p.Asp1496Asn (NM_001354579.2); short protein forms D1560N, D1496N.
Identifiers: ClinVar variation 2158156 (VCV002158156.5), dbSNP rs756354361, ClinGen allele CA2649780.